The following is an entry in ClinVar:

ClinVar aggregate classification (germline): Uncertain significance (0 of 4 stars; one submission).

Conditions:
ADCY3-related disorder. Also called: ADCY3-related condition.

gnomAD v4.1: 15 of 1,614,110 alleles (0.00093%); highest among the groups gnomAD compares: South Asian, 0.0022%; no homozygotes.

Submission:

PreventionGenetics, part of Exact Sciences
Classification: Uncertain significance for ADCY3-related condition. Last evaluated: 2024-09-10. Review status: no assertion criteria provided. Collection method: clinical testing. Allele origin: germline.
Comment: The ADCY3 c.2531C>T variant is predicted to result in the amino acid substitution p.Thr844Met. To our knowledge, this variant has not been reported in the literature. This variant is reported in 0.0046% of alleles in individuals of European (Finnish) descent in gnomAD. At this time, the clinical significance of this variant is uncertain due to the absence of conclusive functional and genetic evidence.

NM_004036.5(ADCY3):c.2528C>T (p.Thr843Met)

Gene: ADCY3 (adenylate cyclase 3; minus strand). Cytogenetic location: 2p23.3.
Variant type: single nucleotide variant.
Coding change: c.2528C>T on transcript NM_004036.5 (MANE Select); coding-DNA position 2528, C replaced by T.
Protein change: p.Thr843Met; replaces threonine 843 with methionine.
Molecular consequence: missense variant. On other transcripts: intron variant (1).
Genome position (GRCh38, 1-based): chr2:24,826,094, G>A on the plus strand (C>T on the coding strand, the complement: ADCY3 is on the minus strand). VCF-style: chr2-24826094-G-A. GRCh37 (hg19) VCF-style: chr2-25048963-G-A.
Other names: c.2531C>T, p.Thr844Met (NM_001320613.2); c.2594C>T, p.Thr865Met (NM_001377128.1); c.2390C>T, p.Thr797Met (NM_001377129.1); c.1805C>T, p.Thr602Met (NM_001377131.1); c.2528C>T, p.Thr843Met (NM_001377132.1); c.2173-1558C>T (NM_001377130.1); short protein forms T602M, T797M, T843M, T844M, T865M.
Identifiers: ClinVar variation 3353899 (VCV003353899.1).